The following is an entry in ClinVar:

ClinVar aggregate classification (germline): Pathogenic/Likely pathogenic. Review status: criteria provided, multiple submitters, no conflicts (2 of 4 stars). 4 submissions from 4 submitters: Pathogenic (3); Likely pathogenic (1). Last evaluated 2025-08-25.

Conditions:
DYNC2H1-related disorder. Also called: DYNC2H1-related condition; DYNC2H1-related disorders. Identifiers: MedGen CN378770.
Asphyxiating thoracic dystrophy 3. Also called: SHORT-RIB THORACIC DYSPLASIA 3 WITH OR WITHOUT POLYDACTYLY; POLYDACTYLY WITH NEONATAL CHONDRODYSTROPHY, TYPE I; SHORT-RIB THORACIC DYSPLASIA 3/6 WITH POLYDACTYLY, DIGENIC; Short rib polydactyly syndrome 2B; Saldino-Noonan Syndrome. Identifiers: Orphanet 474, Orphanet 93269, Orphanet 93270, Orphanet 93271, MedGen C0036069, MONDO:0013127, OMIM 613091.
Jeune thoracic dystrophy. Also called: Jeune syndrome; Infantile thoracic dystrophy; Thoracic pelvic phalangeal dystrophy; Jeune's syndrome; Chondroectodermal dysplasia-like syndrome; Short-rib thoracic dysplasia. Identifiers: Orphanet 474, MedGen C0265275, MONDO:0018770.

gnomAD v4.1: 9 of 1,607,420 alleles (0.00056%); highest among the groups gnomAD compares: African/African-American, 0.0013%; no homozygotes.

Submissions (4):

Daryl Scott Lab, Baylor College of Medicine
Classification: Pathogenic for Asphyxiating thoracic dystrophy 3. Last evaluated: 2025-08-25. Review status: criteria provided, single submitter. Criteria: ACMG Guidelines, 2015. Collection method: clinical testing. Allele origin: maternal. Affected: yes. Observed: 1 compound heterozygote.
Comment: PVS1, PM2

Labcorp Genetics (formerly Invitae), Labcorp
Classification: Pathogenic for Jeune thoracic dystrophy. Last evaluated: 2025-03-17. Review status: criteria provided, single submitter. Criteria: Invitae Variant Classification Sherloc (09022015). Collection method: clinical testing. Allele origin: germline.
Comment: This sequence change creates a premature translational stop signal (p.Arg3629*) in the DYNC2H1 gene. It is expected to result in an absent or disrupted protein product. Loss-of-function variants in DYNC2H1 are known to be pathogenic (PMID: 23339108, 32753734, 33755199). The frequency data for this variant in the population databases is considered unreliable, as metrics indicate poor data quality at this position in the gnomAD database. This variant has not been reported in the literature in individuals affected with DYNC2H1-related conditions. ClinVar contains an entry for this variant (Variation ID: 2804870). For these reasons, this variant has been classified as Pathogenic.

Myriad Genetics, Inc.
Classification: Pathogenic for Asphyxiating thoracic dystrophy 3. Last evaluated: 2024-06-03. Review status: criteria provided, single submitter. Criteria: Myriad Autosomal Dominant, Autosomal Recessive and X-Linked Classification Criteria (2023). Collection method: clinical testing. Allele origin: unknown.
Comment: NM_001377.2(DYNC2H1):c.10864C>T(R3622*) is expected to be pathogenic in the context of DYNC2H1-related disorders. This variant is predicted to lead to an abnormal or absent protein product due to the creation of a premature termination codon in DYNC2H1, a gene where loss-of-function variants are known to be pathogenic. Please note: this variant was assessed in the context of healthy population screening.

Blueprint Genetics
Classification: Likely pathogenic for DYNC2H1-related disorders. Last evaluated: 2020-04-16. Review status: criteria provided, single submitter. Criteria: ACMG Guidelines, 2015. Collection method: clinical testing. Allele origin: germline. Affected: yes. Observed: 3 variant alleles.

Literature cited by the submitters: PubMed 23339108 (cited by Labcorp Genetics (formerly Invitae), Labcorp); PubMed 32753734 (cited by Labcorp Genetics (formerly Invitae), Labcorp); PubMed 33755199 (cited by Labcorp Genetics (formerly Invitae), Labcorp).

NM_001377.3(DYNC2H1):c.10864C>T (p.Arg3622Ter)

Gene: DYNC2H1 (dynein cytoplasmic 2 heavy chain 1; plus strand). Cytogenetic location: 11q22.3.
Variant type: single nucleotide variant.
Coding change: c.10864C>T on transcript NM_001377.3 (MANE Select); coding-DNA position 10864, C replaced by T.
Protein change: p.Arg3622Ter; replaces arginine 3622 with a stop codon.
Molecular consequence: nonsense.
Genome position (GRCh38, 1-based): chr11:103,283,059, C>T. VCF-style: chr11-103283059-C-T. GRCh37 (hg19) VCF-style: chr11-103153788-C-T.
Other names: c.10885C>T, p.Arg3629Ter (NM_001080463.2); short protein forms R3629*, R3622*.
Identifiers: ClinVar variation 2804870 (VCV002804870.6), dbSNP rs117178504, ClinGen allele CA6255089.